The following is an entry in ClinVar:

NM_138694.4(PKHD1):c.4105dup (p.Arg1369fs)

Gene: PKHD1 (PKHD1 ciliary IPT domain containing fibrocystin/polyductin; minus strand). Cytogenetic location: 6p12.2.
Variant type: Duplication.
Coding change: c.4105dup on transcript NM_138694.4 (MANE Select); coding-DNA position 4105, one base duplicated (C; older notation c.4105dupC).
Protein change: p.Arg1369fs; shifts the reading frame from arginine 1369.
Molecular consequence: frameshift variant.
Genome position (GRCh38, 1-based): chr6:52,025,705, G duplicated on the plus strand (C on the coding strand, the reverse complement: PKHD1 is on the minus strand). VCF-style (leftmost placement, unchanged base first): chr6-52025704-C-CG. GRCh37 (hg19) VCF-style: chr6-51890502-C-CG.
Other names: c.4105dup, p.Arg1369fs (NM_170724.3); c.4105dupC (NM_138694.3); short protein forms R1369fs.
Identifiers: ClinVar variation 813385 (VCV000813385.11), dbSNP rs1581810497, ClinGen allele CA915944274.

ClinVar aggregate classification (germline): Pathogenic. Review status: criteria provided, multiple submitters, no conflicts (2 of 4 stars). 4 submissions from 3 submitters: Pathogenic (4). Last evaluated 2025-08-28.

Conditions:
Polycystic kidney disease 4 (PKD4). Also called: POLYCYSTIC KIDNEY AND HEPATIC DISEASE 1; POLYCYSTIC KIDNEY DISEASE, INFANTILE, TYPE I; POLYCYSTIC KIDNEY DISEASE 4 WITH OR WITHOUT POLYCYSTIC LIVER DISEASE; Autosomal Recessive Polycystic Kidney Disease – PKHD1; PKD3. Identifiers: MedGen C4540575, MONDO:0033004, OMIM 263200.
Autosomal recessive polycystic kidney disease (ARPKD). Also called: AR polycystic kidney disease. Identifiers: Orphanet 731, Orphanet 8378, MedGen C0085548, MeSH D017044, MONDO:0009889.

Allele frequency attached by ClinVar (database versions not stated): gnomAD exomes below 0.00001.

Submissions (4):

Natera, Inc.
Classification: Pathogenic for Autosomal recessive polycystic kidney disease. Last evaluated: 2025-08-28. Review status: criteria provided, single submitter. Criteria: Natera Variant Classification Schema (03/2026). Collection method: clinical testing. Allele origin: germline.
Comment: The c.4105dupC variant in PKHD1 is a frameshift variant predicted to shift the reading frame beginning at codon 1369 and leads to a stop codon 9 codons downstream. This variant is expected to result in nonsense mediated decay, truncation, or a dysfunctional protein product. This variant is rare in the general population with a frequency below the threshold expected for the associated phenotype(s). This variant has been observed in one or more individuals affected with the associated recessive disease, as either homozygous or compound heterozygous with a second variant (PMID: 24162162). Given the available evidence, this variant is classified as Pathogenic.

Baylor Genetics
Classification: Pathogenic for Polycystic kidney disease 4. Last evaluated: 2023-07-24. Review status: criteria provided, single submitter. Criteria: ACMG Guidelines, 2015. Collection method: clinical testing. Allele origin: unknown.

Labcorp Genetics (formerly Invitae), Labcorp
Classification: Pathogenic for Autosomal recessive polycystic kidney disease. Last evaluated: 2023-06-29. Review status: criteria provided, single submitter. Criteria: Invitae Variant Classification Sherloc (09022015). Collection method: clinical testing. Allele origin: germline.
Comment: This sequence change creates a premature translational stop signal (p.Arg1369Profs*9) in the PKHD1 gene. It is expected to result in an absent or disrupted protein product. Loss-of-function variants in PKHD1 are known to be pathogenic (PMID: 19940839). This variant is not present in population databases (gnomAD no frequency). This premature translational stop signal has been observed in individual(s) with clinical features of polycystic kidney disease (PMID: 24162162). ClinVar contains an entry for this variant (Variation ID: 813385). For these reasons, this variant has been classified as Pathogenic.

Baylor Genetics
Classification: Pathogenic for Polycystic kidney disease 4. Review status: criteria provided, single submitter. Criteria: ACMG Guidelines, 2015. Collection method: clinical testing. Allele origin: germline.

Literature cited by the submitters: PubMed 24162162 (cited by Natera, Inc. and Labcorp Genetics (formerly Invitae), Labcorp); PubMed 19940839 (cited by Labcorp Genetics (formerly Invitae), Labcorp).